The following is an entry in ClinVar:

ClinVar aggregate classification (germline): Uncertain significance (1 of 4 stars; one submission).

Conditions:
Charcot-Marie-Tooth disease axonal type 2C (HMSN2C). Also called: CHARCOT-MARIE-TOOTH DISEASE, AXONAL, AUTOSOMAL DOMINANT, TYPE 2C; Charcot-Marie-Tooth Neuropathy Type 2C; Charcot-Marie-Tooth Disease Type 2, TRPV4-Related (CMT2C). Identifiers: Orphanet 99937, MedGen C1853710, MONDO:0011633, OMIM 606071.

Allele frequency attached by ClinVar (database versions not stated): gnomAD exomes below 0.00001.
gnomAD v4.1: 1 of 1,613,992 alleles (0.000062%); highest among the groups gnomAD compares: South Asian, 0.0011%; no homozygotes.

Submission:

Labcorp Genetics (formerly Invitae), Labcorp
Classification: Uncertain significance for Charcot-Marie-Tooth disease axonal type 2C. Last evaluated: 2017-07-19. Review status: criteria provided, single submitter. Criteria: Invitae Variant Classification Sherloc (09022015). Collection method: clinical testing. Allele origin: germline.
Comment: In summary, the available evidence is currently insufficient to determine the role of this variant in disease. Therefore, it has been classified as a Variant of Uncertain Significance. Algorithms developed to predict the effect of missense changes on protein structure and function (SIFT, PolyPhen-2, Align-GVGD) all suggest that this variant is likely to be tolerated, but these predictions have not been confirmed by published functional studies and their clinical significance is uncertain. This variant has not been reported in the literature in individuals with TRPV4-related disease. This variant is not present in population databases (ExAC no frequency). This sequence change replaces isoleucine with threonine at codon 234 of the TRPV4 protein (p.Ile234Thr). The isoleucine residue is weakly conserved and there is a moderate physicochemical difference between isoleucine and threonine.

NM_021625.5(TRPV4):c.701T>C (p.Ile234Thr)

Gene: TRPV4 (transient receptor potential cation channel subfamily V member 4; minus strand). Cytogenetic location: 12q24.11.
Variant type: single nucleotide variant.
Coding change: c.701T>C on transcript NM_021625.5 (MANE Select); coding-DNA position 701, T replaced by C.
Protein change: p.Ile234Thr; replaces isoleucine 234 with threonine.
Molecular consequence: missense variant.
Genome position (GRCh38, 1-based): chr12:109,803,002, A>G on the plus strand (T>C on the coding strand, the complement: TRPV4 is on the minus strand). VCF-style: chr12-109803002-A-G. GRCh37 (hg19) VCF-style: chr12-110240807-A-G.
Other names: c.701T>C, p.Ile234Thr (NM_001177428.2, NM_001177433.2, NM_147204.3); c.599T>C, p.Ile200Thr (NM_001177431.2); short protein forms I234T, I200T.
Identifiers: ClinVar variation 469045 (VCV000469045.7), dbSNP rs1555208627, ClinGen allele CA386655977.